The following is an entry in ClinVar:

NM_000632.4(ITGAM):c.2107C>G (p.Gln703Glu)

Gene: ITGAM (integrin subunit alpha M; plus strand). Cytogenetic location: 16p11.2.
Variant type: single nucleotide variant.
Coding change: c.2107C>G on transcript NM_000632.4 (MANE Select); coding-DNA position 2107, C replaced by G.
Protein change: p.Gln703Glu; replaces glutamine 703 with glutamic acid.
Molecular consequence: missense variant.
Genome position (GRCh38, 1-based): chr16:31,324,503, C>G. VCF-style: chr16-31324503-C-G. GRCh37 (hg19) VCF-style: chr16-31335824-C-G.
Other names: c.2110C>G, p.Gln704Glu (NM_001145808.2); short protein forms Q704E, Q703E.
Identifiers: ClinVar variation 2176363 (VCV002176363.4), dbSNP rs749738443, ClinGen allele CA280616926.

ClinVar aggregate classification (germline): Uncertain significance (1 of 4 stars; one submission).

Allele frequency attached by ClinVar (database versions not stated): gnomAD 0.00001; TOPMed 0.00001.
gnomAD v4.1: 34 of 1,602,818 alleles (0.0021%); highest among the groups gnomAD compares: Non-Finnish European, 0.0026%; no homozygotes.

Submission:

Labcorp Genetics (formerly Invitae), Labcorp
Classification: Uncertain significance. Last evaluated: 2025-10-23. Review status: criteria provided, single submitter. Criteria: Invitae Variant Classification Sherloc (09022015). Collection method: clinical testing. Allele origin: germline.
Comment: This sequence change replaces glutamine, which is neutral and polar, with glutamic acid, which is acidic and polar, at codon 703 of the ITGAM protein (p.Gln703Glu). This variant is present in population databases (rs749738443, gnomAD 0.003%). This variant has not been reported in the literature in individuals affected with ITGAM-related conditions. ClinVar contains an entry for this variant (Variation ID: 2176363). An algorithm developed to predict the effect of missense changes on protein structure and function outputs the following: PolyPhen-2: "Benign". The glutamic acid amino acid residue is found in multiple mammalian species, which suggests that this missense change does not adversely affect protein function. In summary, the available evidence is currently insufficient to determine the role of this variant in disease. Therefore, it has been classified as a Variant of Uncertain Significance.